The following is an entry in ClinVar:

NM_001060.6(TBXA2R):c.134C>A (p.Ala45Asp)

Gene: TBXA2R (thromboxane A2 receptor; minus strand). Cytogenetic location: 19p13.3.
Variant type: single nucleotide variant.
Coding change: c.134C>A on transcript NM_001060.6 (MANE Select); coding-DNA position 134, C replaced by A.
Protein change: p.Ala45Asp; replaces alanine 45 with aspartic acid.
Molecular consequence: missense variant.
Genome position (GRCh38, 1-based): chr19:3,600,501, G>T on the plus strand (C>A on the coding strand, the complement: TBXA2R is on the minus strand). VCF-style: chr19-3600501-G-T. GRCh37 (hg19) VCF-style: chr19-3600499-G-T.
Other names: c.134C>A, p.Ala45Asp (NM_201636.3); short protein forms A45D.
Identifiers: ClinVar variation 4994892 (VCV004994892.1).

ClinVar aggregate classification (germline): Uncertain significance (1 of 4 stars; one submission).

Conditions:
TBXA2R-related disorder. Also called: TBXA2R-related condition.

Submission:

PreventionGenetics, part of Exact Sciences
Classification: Uncertain significance for TBXA2R-related condition. Last evaluated: 2026-05-08. Review status: criteria provided, single submitter. Criteria: ACMG Guidelines, 2015. Collection method: clinical testing. Allele origin: germline.
Comment: The TBXA2R c.134C>A variant is predicted to result in the amino acid substitution p.Ala45Asp. To our knowledge, this variant has not been reported in the literature or in a large population database (gnomAD), indicating this variant is rare. At this time, the clinical significance of this variant is uncertain due to the absence of conclusive functional and genetic evidence.